The following is an entry in ClinVar:

NM_198503.5(KCNT2):c.2123A>G (p.Tyr708Cys)

Gene: KCNT2 (potassium sodium-activated channel subfamily T member 2; minus strand). Cytogenetic location: 1q31.3.
Variant type: single nucleotide variant.
Coding change: c.2123A>G on transcript NM_198503.5 (MANE Select); coding-DNA position 2123, A replaced by G.
Protein change: p.Tyr708Cys; replaces tyrosine 708 with cysteine.
Molecular consequence: missense variant. On other transcripts: non-coding transcript variant (2).
Genome position (GRCh38, 1-based): chr1:196,326,870, T>C on the plus strand (A>G on the coding strand, the complement: KCNT2 is on the minus strand). VCF-style: chr1-196326870-T-C. GRCh37 (hg19) VCF-style: chr1-196296000-T-C.
Other names: c.2123A>G, p.Tyr708Cys (NM_001287819.3); c.1973A>G, p.Tyr658Cys (NM_001287820.3); c.2123A>G (NM_198503.2); short protein forms Y658C, Y708C.
Identifiers: ClinVar variation 2501623 (VCV002501623.2), dbSNP rs2526807384, ClinGen allele CA343976908.

ClinVar aggregate classification (germline): Uncertain significance. Review status: criteria provided, multiple submitters, no conflicts (2 of 4 stars). 2 submissions from 2 submitters: Uncertain significance (2). Last evaluated 2023-12-28.

Conditions:
Inborn genetic diseases. Identifiers: MedGen C0950123, MeSH D030342.

gnomAD v4.1: 3 of 1,575,218 alleles (0.00019%); highest among the groups gnomAD compares: Non-Finnish European, 0.00026%; no homozygotes.

Submissions (2):

Ambry Genetics
Classification: Uncertain significance for Inborn genetic diseases. Last evaluated: 2023-12-28. Review status: criteria provided, single submitter. Criteria: Ambry Variant Classification Scheme 2023. Collection method: clinical testing. Allele origin: germline.

GeneDx
Classification: Uncertain significance. Last evaluated: 2022-11-05. Review status: criteria provided, single submitter. Criteria: GeneDx Variant Classification Process June 2021. Collection method: clinical testing. Allele origin: germline. Affected: yes.
Comment: Not observed at significant frequency in large population cohorts (gnomAD); In silico analysis supports that this missense variant has a deleterious effect on protein structure/function; Has not been previously published as pathogenic or benign to our knowledge